The following is an entry in ClinVar:

ClinVar aggregate classification (germline): Uncertain significance (1 of 4 stars; one submission).

Conditions:
Ullrich congenital muscular dystrophy 2 (UCMD2). Identifiers: Orphanet 75840, MedGen C4225314, MONDO:0014654, OMIM 616470.
Bethlem myopathy 2 (BTHLM2). Identifiers: Orphanet 536516, Orphanet 610, MedGen C4225313, MONDO:0034022, OMIM 616471.

Submission:

Labcorp Genetics (formerly Invitae), Labcorp
Classification: Uncertain significance for Bethlem myopathy 2; Ullrich congenital muscular dystrophy 2. Last evaluated: 2021-09-05. Review status: criteria provided, single submitter. Criteria: Invitae Variant Classification Sherloc (09022015). Collection method: clinical testing. Allele origin: germline.
Comment: In summary, the available evidence is currently insufficient to determine the role of this variant in disease. Therefore, it has been classified as a Variant of Uncertain Significance. This variant has not been reported in the literature in individuals affected with COL12A1-related conditions. This variant results in a copy number gain of the genomic region encompassing exon(s) 55-66 of the COL12A1 gene. This region includes the termination codon of the gene. This copy number gain extends beyond the assayed region for this gene and therefore may encompass additional genes. As the precise location of this event is unknown, it may be in tandem or it may be located elsewhere in the genome.

NC_000006.11:g.(?_75796263)_(75813546_?)dup

Gene: COL12A1 (collagen type XII alpha 1 chain; minus strand). Cytogenetic location: 6q13.
Variant type: Duplication.
Identifiers: ClinVar variation 1421975 (VCV001421975.5).